The following is an entry in ClinVar:

ClinVar aggregate classification (germline): Conflicting classifications of pathogenicity. Review status: criteria provided, conflicting classifications (1 of 4 stars). 2 submissions from 2 submitters: Uncertain significance (1); Likely benign (1). Last evaluated 2022-12-01.

Allele frequency attached by ClinVar (database versions not stated): TOPMed below 0.00001; ExAC 0.00001; gnomAD 0.00001; gnomAD exomes 0.00001; 1000 Genomes Project 30x 0.00016; 1000 Genomes Project 0.00020.
gnomAD v4.1: 18 of 1,613,808 alleles (0.0011%); highest among the groups gnomAD compares: African/African-American, 0.008%; no homozygotes.

Submissions (2):

CeGaT Center for Human Genetics Tuebingen
Classification: Uncertain significance. Last evaluated: 2022-12-01. Review status: criteria provided, single submitter. Criteria: CeGaT Center For Human Genetics Tuebingen Variant Classification Criteria Version 2. Collection method: clinical testing. Allele origin: germline. Affected: yes. Observed: 1 variant allele.
Comment: INPPL1: PM2, BP4

Labcorp Genetics (formerly Invitae), Labcorp
Classification: Likely benign. Last evaluated: 2020-04-13. Review status: criteria provided, single submitter. Criteria: Invitae Variant Classification Sherloc (09022015). Collection method: clinical testing. Allele origin: germline.

NM_001567.4(INPPL1):c.247-6C>T

Gene: INPPL1 (inositol polyphosphate phosphatase like 1; plus strand). Cytogenetic location: 11q13.4.
Variant type: single nucleotide variant.
Coding change: c.247-6C>T on transcript NM_001567.4 (MANE Select); 6 bases into the intron before coding-DNA position 247, C replaced by T.
Molecular consequence: intron variant.
Genome position (GRCh38, 1-based): chr11:72,228,342, C>T. VCF-style: chr11-72228342-C-T. GRCh37 (hg19) VCF-style: chr11-71939386-C-T.
Identifiers: ClinVar variation 1145121 (VCV001145121.28), dbSNP rs199604909, ClinGen allele CA6169596.